The following is an entry in ClinVar:

NM_152703.5(SAMD9L):c.2037T>G (p.Phe679Leu)

Gene: SAMD9L (sterile alpha motif domain containing 9 like; minus strand). Cytogenetic location: 7q21.2.
Variant type: single nucleotide variant.
Coding change: c.2037T>G on transcript NM_152703.5 (MANE Select); coding-DNA position 2037, T replaced by G.
Protein change: p.Phe679Leu; replaces phenylalanine 679 with leucine.
Molecular consequence: missense variant.
Genome position (GRCh38, 1-based): chr7:93,133,935, A>C on the plus strand (T>G on the coding strand, the complement: SAMD9L is on the minus strand). VCF-style: chr7-93133935-A-C. GRCh37 (hg19) VCF-style: chr7-92763248-A-C.
Other names: c.2037T>G, p.Phe679Leu (NM_001303496.3, NM_001303497.3, NM_001303498.3 and 5 more transcripts); c.2037T>G (NM_152703.3, NM_152703.2); short protein forms F679L.
Identifiers: ClinVar variation 813701 (VCV000813701.12), dbSNP rs188902048, ClinGen allele CA4343642.
Genomic context (GRCh38, chr7:93,133,935, plus strand): 5'-ATAGAAGTTCCACCAGGATACTTTGCCACCTCGATAAAAGTGTTCTTCTTTTGATTTCTT[A>C]AACTCCAGGAATTTAGATTTGTCTTTCTCGATGTCTGTCTCTGTACACTCATTTTCACAG-3'
Protein context (NP_689916.2, residues 669-689): IEKDKSKFLE[Phe679Leu]KKSKEEHFYR

ClinVar aggregate classification (germline): Conflicting classifications of pathogenicity. Review status: criteria provided, conflicting classifications (1 of 4 stars). 4 submissions from 4 submitters: Uncertain significance (1); Likely benign (2). 1 of the submissions does not count toward it. Last evaluated 2026-07-23.

Conditions:
Inborn genetic diseases. Identifiers: MedGen C0950123, MeSH D030342.
Microcephaly. Also called: Microcephaly (disease). Identifiers: MedGen C4551563, MONDO:0001149, HP:0000252.

Allele frequency attached by ClinVar (database versions not stated): TOPMed 0.00012; 1000 Genomes Project 0.00020; 1000 Genomes Project 30x 0.00031; ExAC 0.00012.
gnomAD v4.1: 102 of 1,613,874 alleles (0.0063%); highest among the groups gnomAD compares: East Asian, 0.091%; 1 homozygote.

Submissions (4):

GeneDx
Classification: Uncertain significance. Last evaluated: 2026-07-23. Review status: criteria provided, single submitter. Criteria: GeneDx Variant Classification Process June 2021. Collection method: clinical testing. Allele origin: germline.
Comment: In silico analysis supports that this missense variant has a deleterious effect on protein structure/function; Has not been previously published as pathogenic or benign to our knowledge

Labcorp Genetics (formerly Invitae), Labcorp
Classification: Likely benign. Last evaluated: 2025-11-17. Review status: criteria provided, single submitter. Criteria: Invitae Variant Classification Sherloc (09022015). Collection method: clinical testing. Allele origin: germline.

Ambry Genetics
Classification: Likely benign for Inborn genetic diseases. Last evaluated: 2024-11-17. Review status: criteria provided, single submitter. Criteria: Ambry Variant Classification Scheme 2023. Collection method: clinical testing. Allele origin: germline.

Department of Pediatrics, Samsung Medical Center, Samsung Medical Center
Classification: Uncertain significance for Microcephaly. Review status: no assertion criteria provided. Criteria: ACMG Guidelines, 2015. Collection method: research. Allele origin: germline. Affected: yes. Not counted in ClinVar's aggregate classification.